The following is an entry in ClinVar:

ClinVar aggregate classification (germline): Uncertain significance (1 of 4 stars; one submission).

Conditions:
Autosomal dominant limb-girdle muscular dystrophy type 1G (LGMDD3). Also called: Limb-girdle muscular dystrophy, type 1G; MUSCULAR DYSTROPHY, LIMB-GIRDLE, AUTOSOMAL DOMINANT 3. Identifiers: Orphanet 55596, MedGen C1836765, MONDO:0012193, OMIM 609115.

Allele frequency attached by ClinVar (database versions not stated): gnomAD exomes 0.00001.
gnomAD v4.1: 7 of 1,613,084 alleles (0.00043%); highest among the groups gnomAD compares: African/African-American, 0.0013%; no homozygotes.

Submission:

Labcorp Genetics (formerly Invitae), Labcorp
Classification: Uncertain significance for Autosomal dominant limb-girdle muscular dystrophy type 1G. Last evaluated: 2022-10-25. Review status: criteria provided, single submitter. Criteria: Invitae Variant Classification Sherloc (09022015). Collection method: clinical testing. Allele origin: germline.
Comment: In summary, the available evidence is currently insufficient to determine the role of this variant in disease. Therefore, it has been classified as a Variant of Uncertain Significance. Algorithms developed to predict the effect of missense changes on protein structure and function are either unavailable or do not agree on the potential impact of this missense change (SIFT: "Deleterious"; PolyPhen-2: "Benign"; Align-GVGD: "Class C0"). This variant has not been reported in the literature in individuals affected with HNRNPDL-related conditions. This variant is not present in population databases (gnomAD no frequency). This sequence change replaces isoleucine, which is neutral and non-polar, with threonine, which is neutral and polar, at codon 95 of the HNRNPDL protein (p.Ile95Thr).

NM_031372.4(HNRNPDL):c.284T>C (p.Ile95Thr)

Gene: HNRNPDL (heterogeneous nuclear ribonucleoprotein D like; minus strand). Cytogenetic location: 4q21.22.
Variant type: single nucleotide variant.
Coding change: c.284T>C on transcript NM_031372.4 (MANE Select); coding-DNA position 284, T replaced by C.
Protein change: p.Ile95Thr; replaces isoleucine 95 with threonine.
Molecular consequence: missense variant. On other transcripts: non-coding transcript variant (1).
Genome position (GRCh38, 1-based): chr4:82,429,407, A>G on the plus strand (T>C on the coding strand, the complement: HNRNPDL is on the minus strand). VCF-style: chr4-82429407-A-G. GRCh37 (hg19) VCF-style: chr4-83350560-A-G.
Other names: c.284T>C, p.Ile95Thr (NM_001207000.1); short protein forms I95T.
Identifiers: ClinVar variation 2047818 (VCV002047818.4), dbSNP rs2530023929, ClinGen allele CA357172662.
Genomic context (GRCh38, chr4:82,429,407, plus strand): 5'-TCGGCAGGGGGGTGCTGGCGCGCAGTCCGGGTCGCGGCAGCAGCGGCGGCGGAGCGTTGT[A>G]TGGAGCTGGATTTAAAATGGCGGCGGAAGAGATCCGGGCGCCGCCTGCGCCCTCCCTTTA-3'
Protein context (NP_112740.1, residues 85-105): LFRRHFKSSS[Ile95Thr]QRSAAAAAAT